The following is an entry in ClinVar:

ClinVar aggregate classification (germline): Uncertain significance (1 of 4 stars; one submission).

Conditions:
Glycine encephalopathy. Also called: Nonketotic hyperglycinemia; Non-ketotic hyperglycinemia. Identifiers: Orphanet 407, MedGen C0751748, MONDO:0011612, HP:0008288.

Allele frequency attached by ClinVar (database versions not stated): gnomAD 0.00001; TOPMed 0.00001.
gnomAD v4.1: 16 of 1,614,058 alleles (0.00099%); highest among the groups gnomAD compares: Admixed American, 0.0033%; no homozygotes.

Submission:

Labcorp Genetics (formerly Invitae), Labcorp
Classification: Uncertain significance for Glycine encephalopathy. Last evaluated: 2022-07-16. Review status: criteria provided, single submitter. Criteria: Invitae Variant Classification Sherloc (09022015). Collection method: clinical testing. Allele origin: germline.
Comment: This sequence change replaces proline, which is neutral and non-polar, with leucine, which is neutral and non-polar, at codon 396 of the AMT protein (p.Pro396Leu). This variant is present in population databases (rs200180779, gnomAD 0.003%). This variant has not been reported in the literature in individuals affected with AMT-related conditions. Advanced modeling of protein sequence and biophysical properties (such as structural, functional, and spatial information, amino acid conservation, physicochemical variation, residue mobility, and thermodynamic stability) performed at Invitae indicates that this missense variant is not expected to disrupt AMT protein function. In summary, the available evidence is currently insufficient to determine the role of this variant in disease. Therefore, it has been classified as a Variant of Uncertain Significance.

NM_000481.4(AMT):c.1187C>T (p.Pro396Leu)

Gene: AMT (aminomethyltransferase; minus strand). Cytogenetic location: 3p21.31.
Variant type: single nucleotide variant.
Coding change: c.1187C>T on transcript NM_000481.4 (MANE Select); coding-DNA position 1187, C replaced by T.
Protein change: p.Pro396Leu; replaces proline 396 with leucine.
Molecular consequence: missense variant. On other transcripts: non-coding transcript variant (1), intron variant (1).
Genome position (GRCh38, 1-based): chr3:49,417,565, G>A on the plus strand (C>T on the coding strand, the complement: AMT is on the minus strand). VCF-style: chr3-49417565-G-A. GRCh37 (hg19) VCF-style: chr3-49454998-G-A.
Other names: c.1055C>T, p.Pro352Leu (NM_001164710.2); c.1019C>T, p.Pro340Leu (NM_001164711.2); c.1137+50C>T (NM_001164712.2); short protein forms P352L, P396L, P340L.
Identifiers: ClinVar variation 2076615 (VCV002076615.1), dbSNP rs200180779, ClinGen allele CA74511645.